The following is an entry in ClinVar:

ClinVar aggregate classification (germline): Pathogenic (1 of 4 stars; one submission).

Conditions:
X-linked myopathy with postural muscle atrophy. Also called: FHL1-Related Emery-Dreifuss Muscular Dystrophy, X-Linked. Identifiers: Orphanet 178461, MedGen C2678055, MONDO:0010401, OMIM 300696.

Submission:

Labcorp Genetics (formerly Invitae), Labcorp
Classification: Pathogenic for X-linked myopathy with postural muscle atrophy. Last evaluated: 2019-10-08. Review status: criteria provided, single submitter. Criteria: Invitae Variant Classification Sherloc (09022015). Collection method: clinical testing. Allele origin: germline.
Comment: This sequence change creates a premature translational stop signal (p.Lys124Argfs*6) in the FHL1 gene. It is expected to result in an absent or disrupted protein product. This variant is not present in population databases (ExAC no frequency). This variant has been reported in an individual with Emery-Dreifuss muscular dystrophy (EDMD) (PMID: 19716112). Loss-of-function variants in FHL1 are known to be pathogenic (PMID: 18179888, 19687455, 19716112, 22523091, 24114807). For these reasons, this variant has been classified as Pathogenic.

Literature cited by the submitters: PubMed 19716112; PubMed 18179888; PubMed 19687455; PubMed 22523091; PubMed 24114807.

NM_001159699.2(FHL1):c.419_420del (p.Lys140fs)

Gene: FHL1 (four and a half LIM domains 1; plus strand). Cytogenetic location: Xq26.3.
Variant type: Deletion.
Coding change: c.419_420del on transcript NM_001159699.2 (MANE Select); coding-DNA positions 419 to 420, 2 bases deleted (AA; older notation c.419_420delAA).
Protein change: p.Lys140fs; shifts the reading frame from lysine 140.
Molecular consequence: frameshift variant. On other transcripts: non-coding transcript variant (1).
Genome position (GRCh38, 1-based): chrX:136,207,831-136,207,832, AA deleted; deleting any 2 consecutive bases within chrX:136,207,830-136,207,832 gives the same sequence; the c. name uses the placement nearest the transcript's 3' end. VCF-style (leftmost placement, unchanged base first): chrX-136207829-CAA-C. GRCh37 (hg19) VCF-style: chrX-135289988-CAA-C.
Other names: c.371_372del, p.Lys124fs (NM_001159700.2, NM_001159702.3, NM_001159703.2 and 9 more transcripts); c.458_459del, p.Lys153fs (NM_001159701.2); c.419_420del, p.Lys140fs (NM_001330659.2); short protein forms K124fs, K153fs, K140fs.
Identifiers: ClinVar variation 941351 (VCV000941351.9), dbSNP rs2073885767, ClinGen allele CA1139667812.